The following is an entry in ClinVar:

NM_005619.5(RTN2):c.1366G>A (p.Val456Met)

Genes: OPA3-RTN2 (OPA3-RTN2 readthrough; minus strand), RTN2 (reticulon 2; minus strand). Cytogenetic location: 19q13.32.
Variant type: single nucleotide variant.
Coding change: c.1366G>A on transcript NM_005619.5 (MANE Select); coding-DNA position 1366, G replaced by A.
Protein change: p.Val456Met; replaces valine 456 with methionine.
Molecular consequence: missense variant.
Genome position (GRCh38, 1-based): chr19:45,488,862, C>T on the plus strand (G>A on the coding strand, the complement: RTN2 is on the minus strand). VCF-style: chr19-45488862-C-T. GRCh37 (hg19) VCF-style: chr19-45992120-C-T.
Other names: c.1147G>A, p.Val383Met (NM_206900.3); c.346G>A, p.Val116Met (NM_206901.3); c.1366G>A (NM_005619.4); short protein forms V456M, V116M, V383M.
Identifiers: ClinVar variation 448173 (VCV000448173.4), dbSNP rs533022763, ClinGen allele CA9516004.

ClinVar aggregate classification (germline): Uncertain significance. Review status: criteria provided, multiple submitters, no conflicts (2 of 4 stars). 4 submissions from 4 submitters: Uncertain significance (4). Last evaluated 2025-04-13.

Conditions:
Spastic paraplegia. Identifiers: MedGen C0037772, HP:0001258.
RTN2-related disorder. Also called: RTN2-related condition.
Inborn genetic diseases. Identifiers: MedGen C0950123, MeSH D030342.

Allele frequency attached by ClinVar (database versions not stated): gnomAD 0.00002 and 0.00003; gnomAD exomes 0.00002; TOPMed 0.00003; ExAC 0.00005.
gnomAD v4.1: 51 of 1,602,538 alleles (0.0032%); highest among the groups gnomAD compares: African/African-American, 0.0053%; no homozygotes.

Submissions (4):

Labcorp Genetics (formerly Invitae), Labcorp
Classification: Uncertain significance for Spastic paraplegia. Last evaluated: 2025-04-13. Review status: criteria provided, single submitter. Criteria: Invitae Variant Classification Sherloc (09022015). Collection method: clinical testing. Allele origin: germline.
Comment: This sequence change replaces valine, which is neutral and non-polar, with methionine, which is neutral and non-polar, at codon 456 of the RTN2 protein (p.Val456Met). This variant is present in population databases (rs533022763, gnomAD 0.004%). This variant has not been reported in the literature in individuals affected with RTN2-related conditions. ClinVar contains an entry for this variant (Variation ID: 448173). An algorithm developed to predict the effect of missense changes on protein structure and function (PolyPhen-2) suggests that this variant is likely to be disruptive. In summary, the available evidence is currently insufficient to determine the role of this variant in disease. Therefore, it has been classified as a Variant of Uncertain Significance.

Ambry Genetics
Classification: Uncertain significance for Inborn genetic diseases. Last evaluated: 2025-03-03. Review status: criteria provided, single submitter. Criteria: Ambry Variant Classification Scheme 2023. Collection method: clinical testing. Allele origin: germline.

PreventionGenetics, part of Exact Sciences
Classification: Uncertain significance for RTN2-related condition. Last evaluated: 2025-01-10. Review status: criteria provided, single submitter. Criteria: ACMG Guidelines, 2015. Collection method: clinical testing. Allele origin: germline.
Comment: The RTN2 c.1366G>A variant is predicted to result in the amino acid substitution p.Val456Met. To our knowledge, this variant has not been reported in the literature. This variant is reported in 0.0039% of alleles in individuals of European (Non-Finnish) descent in gnomAD. At this time, the clinical significance of this variant is uncertain due to the absence of conclusive functional and genetic evidence.

Athena Diagnostics
Classification: Uncertain significance. Last evaluated: 2017-03-28. Review status: criteria provided, single submitter. Criteria: Athena Diagnostics Criteria. Collection method: clinical testing. Allele origin: germline.